The following is an entry in ClinVar:

ClinVar aggregate classification (germline): Uncertain significance. Review status: criteria provided, multiple submitters, no conflicts (2 of 4 stars). 2 submissions from 2 submitters: Uncertain significance (2). Last evaluated 2025-11-19.

Conditions:
Neuronal ceroid lipofuscinosis. Also called: Neuronal Ceroid Lipofuscinoses. Identifiers: Orphanet 216, Orphanet 79263, MedGen C0027877, MONDO:0016295. Disease mechanism: loss of function.

Allele frequency attached by ClinVar (database versions not stated): TOPMed 0.00001.

Submissions (2):

Labcorp Genetics (formerly Invitae), Labcorp
Classification: Uncertain significance for Neuronal ceroid lipofuscinosis. Last evaluated: 2025-11-19. Review status: criteria provided, single submitter. Criteria: Invitae Variant Classification Sherloc (09022015). Collection method: clinical testing. Allele origin: germline.
Comment: This sequence change replaces leucine, which is neutral and non-polar, with phenylalanine, which is neutral and non-polar, at codon 84 of the CLN5 protein (p.Leu84Phe). This variant is not present in population databases (gnomAD no frequency). This variant has not been reported in the literature in individuals affected with CLN5-related conditions. ClinVar contains an entry for this variant (Variation ID: 1704063). Invitae Evidence Modeling of protein sequence and biophysical properties (such as structural, functional, and spatial information, amino acid conservation, physicochemical variation, residue mobility, and thermodynamic stability) indicates that this missense variant is not expected to disrupt CLN5 protein function with a negative predictive value of 80%. In summary, the available evidence is currently insufficient to determine the role of this variant in disease. Therefore, it has been classified as a Variant of Uncertain Significance.

GeneDx
Classification: Uncertain significance. Last evaluated: 2022-02-28. Review status: criteria provided, single submitter. Criteria: GeneDx Variant Classification Process June 2021. Collection method: clinical testing. Allele origin: germline. Affected: yes.
Comment: Not observed at significant frequency in large population cohorts (gnomAD); In silico analysis supports that this missense variant does not alter protein structure/function; Has not been previously published as pathogenic or benign to our knowledge

NM_006493.4(CLN5):c.103C>T (p.Leu35Phe)

Genes: CLN5 (CLN5 lysosomal BMP synthase; plus strand), LOC130009913 (ATAC-STARR-seq lymphoblastoid silent region 5414; plus strand). Cytogenetic location: 13q22.3.
Variant type: single nucleotide variant.
Coding change: c.103C>T on transcript NM_006493.4 (MANE Select); coding-DNA position 103, C replaced by T.
Protein change: p.Leu35Phe; replaces leucine 35 with phenylalanine.
Molecular consequence: missense variant.
Genome position (GRCh38, 1-based): chr13:76,992,201, C>T. VCF-style: chr13-76992201-C-T. GRCh37 (hg19) VCF-style: chr13-77566336-C-T.
Other names: c.103C>T, p.Leu35Phe (NM_001366624.2); short protein forms L35F.
Identifiers: ClinVar variation 1704063 (VCV001704063.3), dbSNP rs1305741609, ClinGen allele CA388306590.